The following is an entry in ClinVar:

NM_022489.4(INF2):c.549C>T (p.Asn183=)

Gene: INF2 (inverted formin 2; plus strand). Cytogenetic location: 14q32.33.
Variant type: single nucleotide variant.
Coding change: c.549C>T on transcript NM_022489.4 (MANE Select); coding-DNA position 549, C replaced by T.
Protein change: p.Asn183=; no amino-acid change (asparagine 183 retained).
Molecular consequence: synonymous variant.
Genome position (GRCh38, 1-based): chr14:104,703,336, C>T. VCF-style: chr14-104703336-C-T. GRCh37 (hg19) VCF-style: chr14-105169673-C-T.
Other names: c.549C>T, p.Asn183= (NM_001031714.4, NM_032714.3).
Identifiers: ClinVar variation 507193 (VCV000507193.11), dbSNP rs1555373624, ClinGen allele CA488715428.
Genomic context (GRCh38, chr14:104,703,336, plus strand): 5'-GACCCCGCCCTCCCCACAGACGGTGTGCAGCCAGCAGTACCGCTTCAGCATTGTCATGAA[C>T]GAGCTCTCCGGCAGCGACAACGTGCCCTACGTGGTCACCCTGCTTAGCGTGATCAACGCC-3'
Protein context (NP_071934.3, residues 173-193): SQQYRFSIVM[Asn183=]ELSGSDNVPY

ClinVar aggregate classification (germline): Likely benign. Review status: criteria provided, multiple submitters, no conflicts (2 of 4 stars). 3 submissions from 3 submitters: Likely benign (3). Last evaluated 2022-07-06.

Conditions:
Focal segmental glomerulosclerosis 5 (FSGS5). Identifiers: Orphanet 656, MedGen C2750475, MONDO:0013191, OMIM 613237.
Charcot-Marie-Tooth disease dominant intermediate E. Also called: CHARCOT-MARIE-TOOTH NEUROPATHY WITH FOCAL SEGMENTAL GLOMERULONEPHRITIS. Identifiers: Orphanet 93114, MedGen C4302667, MONDO:0013758, OMIM 614455.
Inborn genetic diseases. Identifiers: MedGen C0950123, MeSH D030342.

Allele frequency attached by ClinVar (database versions not stated): gnomAD 0.00001; gnomAD exomes 0.00001; TOPMed 0.00001.
gnomAD v4.1: 17 of 1,613,006 alleles (0.0011%); highest among the groups gnomAD compares: Middle Eastern, 0.016%; no homozygotes.

Submissions (3):

Labcorp Genetics (formerly Invitae), Labcorp
Classification: Likely benign for Charcot-Marie-Tooth disease dominant intermediate E; Focal segmental glomerulosclerosis 5. Last evaluated: 2022-07-06. Review status: criteria provided, single submitter. Criteria: Invitae Variant Classification Sherloc (09022015). Collection method: clinical testing. Allele origin: germline.

Ambry Genetics
Classification: Likely benign for Inborn genetic diseases. Last evaluated: 2019-07-11. Review status: criteria provided, single submitter. Criteria: Ambry Variant Classification Scheme 2023. Collection method: clinical testing. Allele origin: germline.

GeneDx
Classification: Likely benign. Last evaluated: 2017-02-08. Review status: criteria provided, single submitter. Criteria: GeneDx Variant Classification (06012015). Collection method: clinical testing. Allele origin: germline. Affected: yes.
Comment: This variant is considered likely benign or benign based on one or more of the following criteria: it is a conservative change, it occurs at a poorly conserved position in the protein, it is predicted to be benign by multiple in silico algorithms, and/or has population frequency not consistent with disease.